The following is an entry in ClinVar:

NM_000053.4(ATP7B):c.1965G>A (p.Leu655=)

Gene: ATP7B (ATPase copper transporting beta; minus strand). Cytogenetic location: 13q14.3.
Variant type: single nucleotide variant.
Coding change: c.1965G>A on transcript NM_000053.4 (MANE Select); coding-DNA position 1965, G replaced by A.
Protein change: p.Leu655=; no amino-acid change (leucine 655 retained).
Molecular consequence: synonymous variant. On other transcripts: intron variant (2).
Genome position (GRCh38, 1-based): chr13:51,960,304, C>T on the plus strand (G>A on the coding strand, the complement: ATP7B is on the minus strand). VCF-style: chr13-51960304-C-T. GRCh37 (hg19) VCF-style: chr13-52534440-C-T.
Other names: c.1632G>A, p.Leu544= (NM_001243182.2); c.1965G>A, p.Leu655= (NM_001330578.2); c.1870-2697G>A (NM_001005918.3); c.1870-1760G>A (NM_001330579.2).
Identifiers: ClinVar variation 751614 (VCV000751614.17), dbSNP rs574041847, ClinGen allele CA6989144.

ClinVar aggregate classification (germline): Likely benign. Review status: criteria provided, multiple submitters, no conflicts (2 of 4 stars). 7 submissions from 7 submitters: Likely benign (6). 1 of the submissions does not count toward it. Last evaluated 2026-10-01.

Conditions:
Wilson disease (WND). Also called: Wilson's disease. Identifiers: Orphanet 905, MedGen C0019202, MONDO:0010200, OMIM 277900. Disease mechanism: loss of function.
ATP7B-related disorder. Also called: ATP7B-related condition.

Allele frequency attached by ClinVar (database versions not stated): TOPMed 0.00002; 1000 Genomes Project 30x 0.00016; 1000 Genomes Project 0.00020.
gnomAD v4.1: 78 of 1,613,568 alleles (0.0048%); highest among the groups gnomAD compares: South Asian, 0.057%; no homozygotes.

Submissions (7):

CeGaT Center for Human Genetics Tuebingen
Classification: Likely benign. Last evaluated: 2026-10-01. Review status: criteria provided, single submitter. Criteria: CeGaT Center For Human Genetics Tuebingen Variant Classification Criteria Version 2. Collection method: clinical testing. Allele origin: germline. Affected: yes. Observed: 1 variant allele.
Comment: ATP7B: BP4, BP7

Labcorp Genetics (formerly Invitae), Labcorp
Classification: Likely benign for Wilson disease. Last evaluated: 2026-02-04. Review status: criteria provided, single submitter. Criteria: Invitae Variant Classification Sherloc (09022015). Collection method: clinical testing. Allele origin: germline.

PreventionGenetics, part of Exact Sciences
Classification: Likely benign for ATP7B-related condition. Last evaluated: 2026-01-23. Review status: criteria provided, single submitter. Criteria: ACMG Guidelines, 2015. Collection method: clinical testing. Allele origin: germline.
Comment: This variant is classified as likely benign based on ACMG/AMP sequence variant interpretation guidelines (Richards et al. 2015 PMID: 25741868, with internal and published modifications).

All of Us Research Program, National Institutes of Health
Classification: Likely benign for Wilson disease. Last evaluated: 2023-12-01. Review status: criteria provided, single submitter. Criteria: ACMG Guidelines, 2015. Collection method: clinical testing. Allele origin: germline. Inheritance: Autosomal recessive inheritance. Observed: 7 variant alleles, 7 heterozygotes.
Comment: This study involves interpretation of variants in research participants for the purpose of population health screening. Participant phenotype was not available at the time of variant classification. Additional details can be found in publication PMID: 35346344, PMCID: PMC8962531

Fulgent Genetics
Classification: Likely benign for Wilson disease. Last evaluated: 2022-04-22. Review status: criteria provided, single submitter. Criteria: ACMG Guidelines, 2015. Collection method: clinical testing. Allele origin: unknown.

Blueprint Genetics
Classification: Likely benign. Last evaluated: 2019-02-13. Review status: criteria provided, single submitter. Criteria: ACMG Guidelines, 2015. Collection method: clinical testing. Allele origin: germline.

Natera, Inc.
Classification: Uncertain significance for Wilson disease. Last evaluated: 2020-04-15. Review status: no assertion criteria provided. Collection method: clinical testing. Allele origin: germline. Not counted in ClinVar's aggregate classification.